The following is an entry in ClinVar:

ClinVar aggregate classification (germline): Uncertain significance. Review status: criteria provided, multiple submitters, no conflicts (2 of 4 stars). 2 submissions from 2 submitters: Uncertain significance (2). Last evaluated 2024-11-12.

Conditions:
Noonan syndrome 9 (NS9). Identifiers: Orphanet 648, MedGen C4225282, MONDO:0014691, OMIM 616559.

Submissions (2):

Labcorp Genetics (formerly Invitae), Labcorp
Classification: Uncertain significance for Noonan syndrome 9. Last evaluated: 2024-11-12. Review status: criteria provided, single submitter. Criteria: Invitae Variant Classification Sherloc (09022015). Collection method: clinical testing. Allele origin: germline.
Comment: This sequence change replaces valine, which is neutral and non-polar, with alanine, which is neutral and non-polar, at codon 925 of the SOS2 protein (p.Val925Ala). This variant is not present in population databases (gnomAD no frequency). This variant has not been reported in the literature in individuals affected with SOS2-related conditions. ClinVar contains an entry for this variant (Variation ID: 2724428). Invitae Evidence Modeling of protein sequence and biophysical properties (such as structural, functional, and spatial information, amino acid conservation, physicochemical variation, residue mobility, and thermodynamic stability) has been performed for this missense variant. However, the output from this modeling did not meet the statistical confidence thresholds required to predict the impact of this variant on SOS2 protein function. In summary, the available evidence is currently insufficient to determine the role of this variant in disease. Therefore, it has been classified as a Variant of Uncertain Significance.

Women's Health and Genetics/Laboratory Corporation of America, LabCorp
Classification: Uncertain significance. Last evaluated: 2024-04-08. Review status: criteria provided, single submitter. Criteria: LabCorp Variant Classification Summary - May 2015. Collection method: clinical testing. Allele origin: germline.
Comment: Variant summary: SOS2 c.2774T>C (p.Val925Ala) results in a non-conservative amino acid change in the Ras guanine-nucleotide exchange factors catalytic domain (IPR001895) of the encoded protein sequence. Four of five in-silico tools predict a damaging effect of the variant on protein function. The variant was absent in 250146 control chromosomes. The available data on variant occurrences in the general population are insufficient to allow any conclusion about variant significance. To our knowledge, no occurrence of c.2774T>C in individuals affected with Noonan Syndrome and no experimental evidence demonstrating its impact on protein function have been reported. ClinVar contains an entry for this variant (Variation ID: 2724428). Based on the evidence outlined above, the variant was classified as uncertain significance.

NM_006939.4(SOS2):c.2774T>C (p.Val925Ala)

Gene: SOS2 (SOS Ras/Rho guanine nucleotide exchange factor 2; minus strand). Cytogenetic location: 14q21.3.
Variant type: single nucleotide variant.
Coding change: c.2774T>C on transcript NM_006939.4 (MANE Select); coding-DNA position 2774, T replaced by C.
Protein change: p.Val925Ala; replaces valine 925 with alanine.
Molecular consequence: missense variant.
Genome position (GRCh38, 1-based): chr14:50,139,953, A>G on the plus strand (T>C on the coding strand, the complement: SOS2 is on the minus strand). VCF-style: chr14-50139953-A-G. GRCh37 (hg19) VCF-style: chr14-50606671-A-G.
Other names: c.2675T>C, p.Val892Ala (NM_001411020.1); short protein forms V892A, V925A.
Identifiers: ClinVar variation 2724428 (VCV002724428.4), dbSNP rs2502885651, ClinGen allele CA389642622.
Genomic context (GRCh38, chr14:50,139,953, plus strand): 5'-TGGCTATCACACGCTCACCCTCAAAATATATCCATATTTAGTAACTTACCAAAAAAAGGC[A>G]CACAAGGTGGATTGATTGACTTAAGTTTTACTAGGTATTTTTTAAAGTGATCTTGACTTA-3'
Protein context (NP_008870.2, residues 915-935): VKLKSINPPC[Val925Ala]PFFGIYLTNI